The following is an entry in ClinVar:

ClinVar aggregate classification (germline): Uncertain significance (1 of 4 stars; one submission).

Conditions:
Breast-ovarian cancer, familial, susceptibility to, 4. Identifiers: Orphanet 145, MedGen C3280345, MONDO:0013669, OMIM 614291.

Allele frequency attached by ClinVar (database versions not stated): gnomAD exomes below 0.00001.
gnomAD v4.1: 1 of 1,614,020 alleles (0.000062%); highest among the groups gnomAD compares: Non-Finnish European, 0.000085%; no homozygotes.

Submission:

Labcorp Genetics (formerly Invitae), Labcorp
Classification: Uncertain significance for Breast-ovarian cancer, familial, susceptibility to, 4. Last evaluated: 2022-06-29. Review status: criteria provided, single submitter. Criteria: Invitae Variant Classification Sherloc (09022015). Collection method: clinical testing. Allele origin: germline.
Comment: In summary, the available evidence is currently insufficient to determine the role of this variant in disease. Therefore, it has been classified as a Variant of Uncertain Significance. Algorithms developed to predict the effect of sequence changes on RNA splicing suggest that this variant may create or strengthen a splice site. Algorithms developed to predict the effect of missense changes on protein structure and function are either unavailable or do not agree on the potential impact of this missense change (SIFT: "Deleterious"; PolyPhen-2: "Probably Damaging"; Align-GVGD: "Class C15"). This variant has not been reported in the literature in individuals affected with RAD51D-related conditions. This variant is not present in population databases (gnomAD no frequency). This sequence change replaces glutamic acid, which is acidic and polar, with valine, which is neutral and non-polar, at codon 37 of the RAD51D protein (p.Glu37Val).

NM_002878.4(RAD51D):c.110A>T (p.Glu37Val)

Genes: RAD51D (RAD51 paralog D; minus strand), RAD51L3-RFFL (RAD51L3-RFFL readthrough; minus strand). Cytogenetic location: 17q12.
Variant type: single nucleotide variant.
Coding change: c.110A>T on transcript NM_002878.4 (MANE Select); coding-DNA position 110, A replaced by T.
Protein change: p.Glu37Val; replaces glutamic acid 37 with valine.
Molecular consequence: missense variant. On other transcripts: non-coding transcript variant (2).
Genome position (GRCh38, 1-based): chr17:35,119,145, T>A on the plus strand (A>T on the coding strand, the complement: RAD51D is on the minus strand). VCF-style: chr17-35119145-T-A. GRCh37 (hg19) VCF-style: chr17-33446164-T-A.
Other names: c.110A>T, p.Glu37Val (NM_001142571.2, NM_133629.3); short protein forms E37V.
Identifiers: ClinVar variation 2153867 (VCV002153867.4), dbSNP rs2509185546, ClinGen allele CA399091913.